The following is an entry in ClinVar:

NM_000257.4(MYH7):c.3649C>G (p.Leu1217Val)

Gene: MYH7 (myosin heavy chain 7; minus strand). Cytogenetic location: 14q11.2.
Variant type: single nucleotide variant.
Coding change: c.3649C>G on transcript NM_000257.4 (MANE Select); coding-DNA position 3649, C replaced by G.
Protein change: p.Leu1217Val; replaces leucine 1217 with valine.
Molecular consequence: missense variant.
Genome position (GRCh38, 1-based): chr14:23,419,922, G>C on the plus strand (C>G on the coding strand, the complement: MYH7 is on the minus strand). VCF-style: chr14-23419922-G-C. GRCh37 (hg19) VCF-style: chr14-23889131-G-C.
Other names: c.3649C>G, p.Leu1217Val (NM_001407004.1); short protein forms L1217V.
Identifiers: ClinVar variation 3369412 (VCV003369412.2).

ClinVar aggregate classification (germline): Uncertain significance. Review status: criteria provided, multiple submitters, no conflicts (2 of 4 stars). 2 submissions from 2 submitters: Uncertain significance (2). Last evaluated 2025-10-03.

Conditions:
Hypertrophic cardiomyopathy. Also called: HYPERTROPHIC MYOCARDIOPATHY. Identifiers: Orphanet 217569, MedGen C0007194, MeSH D002312, MONDO:0005045, HP:0001639.

Submissions (2):

Labcorp Genetics (formerly Invitae), Labcorp
Classification: Uncertain significance for Hypertrophic cardiomyopathy. Last evaluated: 2025-10-03. Review status: criteria provided, single submitter. Criteria: Invitae Variant Classification Sherloc (09022015). Collection method: clinical testing. Allele origin: germline.
Comment: This sequence change replaces leucine, which is neutral and non-polar, with valine, which is neutral and non-polar, at codon 1217 of the MYH7 protein (p.Leu1217Val). This variant is not present in population databases (gnomAD no frequency). This variant has not been reported in the literature in individuals affected with MYH7-related conditions. ClinVar contains an entry for this variant (Variation ID: 3369412). Invitae Evidence Modeling of protein sequence and biophysical properties (such as structural, functional, and spatial information, amino acid conservation, physicochemical variation, residue mobility, and thermodynamic stability) indicates that this missense variant is expected to disrupt MYH7 protein function with a positive predictive value of 95%. In summary, the available evidence is currently insufficient to determine the role of this variant in disease. Therefore, it has been classified as a Variant of Uncertain Significance.

GeneDx
Classification: Uncertain significance. Last evaluated: 2024-03-01. Review status: criteria provided, single submitter. Criteria: GeneDx Variant Classification Process June 2021. Collection method: clinical testing. Allele origin: germline. Affected: yes.
Comment: Not observed at significant frequency in large population cohorts (gnomAD); In silico analysis supports that this missense variant does not alter protein structure/function; Has not been previously published as pathogenic or benign to our knowledge